The following is an entry in ClinVar:

ClinVar aggregate classification (germline): Uncertain significance (1 of 4 stars; one submission).

Allele frequency attached by ClinVar (database versions not stated): gnomAD 0.00003; TOPMed 0.00003; gnomAD exomes 0.00004; ExAC 0.00006.
gnomAD v4.1: 25 of 1,613,852 alleles (0.0015%); highest among the groups gnomAD compares: Admixed American, 0.042%; no homozygotes.

Submission:

Labcorp Genetics (formerly Invitae), Labcorp
Classification: Uncertain significance. Last evaluated: 2022-08-09. Review status: criteria provided, single submitter. Criteria: Invitae Variant Classification Sherloc (09022015). Collection method: clinical testing. Allele origin: germline.
Comment: This sequence change replaces lysine, which is basic and polar, with glutamine, which is neutral and polar, at codon 465 of the NECTIN1 protein (p.Lys465Gln). This variant is present in population databases (rs765204093, gnomAD 0.06%). This variant has not been reported in the literature in individuals affected with NECTIN1-related conditions. Algorithms developed to predict the effect of missense changes on protein structure and function are either unavailable or do not agree on the potential impact of this missense change (SIFT: "Tolerated"; PolyPhen-2: "Probably Damaging"; Align-GVGD: "Class C0"). In summary, the available evidence is currently insufficient to determine the role of this variant in disease. Therefore, it has been classified as a Variant of Uncertain Significance.

NM_002855.5(NECTIN1):c.1393A>C (p.Lys465Gln)

Gene: NECTIN1 (nectin cell adhesion molecule 1; minus strand). Cytogenetic location: 11q23.3.
Variant type: single nucleotide variant.
Coding change: c.1393A>C on transcript NM_002855.5 (MANE Select); coding-DNA position 1393, A replaced by C.
Protein change: p.Lys465Gln; replaces lysine 465 with glutamine.
Molecular consequence: missense variant. On other transcripts: intron variant (1).
Genome position (GRCh38, 1-based): chr11:119,664,908, T>G on the plus strand (A>C on the coding strand, the complement: NECTIN1 is on the minus strand). VCF-style: chr11-119664908-T-G. GRCh37 (hg19) VCF-style: chr11-119535618-T-G.
Other names: c.1003+10251A>C (NM_203285.2); short protein forms K465Q.
Identifiers: ClinVar variation 2075296 (VCV002075296.1), dbSNP rs765204093, ClinGen allele CA6321799.
Genomic context (GRCh38, chr11:119,664,908, plus strand): 5'-TCCGGTCCCCGTAGCCGTCCTGACGGGCCTCGGCCTCATCCACGGTGAAGTAGGGCCGCT[T>G]GGCGTCCTCGTCATATTTGGGGTGGGGGCCGCCCACCTTGCGCTCGCCCCCTCCACCGCC-3'
Protein context (NP_002846.3, residues 455-475): GPHPKYDEDA[Lys465Gln]RPYFTVDEAE